The following is an entry in ClinVar:

NM_001023.4(RPS20):c.104-12T>C

Gene: RPS20 (ribosomal protein S20; minus strand). Cytogenetic location: 8q12.1.
Variant type: single nucleotide variant.
Coding change: c.104-12T>C on transcript NM_001023.4 (MANE Select); 12 bases into the intron before coding-DNA position 104, T replaced by C.
Molecular consequence: intron variant.
Genome position (GRCh38, 1-based): chr8:56,073,780, A>G on the plus strand (T>C on the coding strand, the complement: RPS20 is on the minus strand). VCF-style: chr8-56073780-A-G. GRCh37 (hg19) VCF-style: chr8-56986339-A-G.
Other names: c.104-12T>C (NM_001146227.3).
Identifiers: ClinVar variation 5042446 (VCV005042446.1).

ClinVar aggregate classification (germline): Likely benign (1 of 4 stars; one submission).

Conditions:
Familial colorectal cancer type X. Identifiers: Orphanet 440437, MedGen C3896578, MONDO:0018604.

Submission:

Myriad Genetics, Inc.
Classification: Likely benign for Familial colorectal cancer type X. Last evaluated: 2026-07-31. Review status: criteria provided, single submitter. Criteria: Myriad Autosomal Dominant, Autosomal Recessive and X-Linked Classification Criteria (2023). Collection method: clinical testing. Allele origin: unknown.
Comment: This variant is considered likely benign. This variant is intronic and is not expected to impact mRNA splicing.